The following is an entry in ClinVar:

NM_006914.4(RORB):c.892G>A (p.Gly298Ser)

Gene: RORB (RAR related orphan receptor B; plus strand). Cytogenetic location: 9q21.13.
Variant type: single nucleotide variant.
Coding change: c.892G>A on transcript NM_006914.4 (MANE Select); coding-DNA position 892, G replaced by A.
Protein change: p.Gly298Ser; replaces glycine 298 with serine.
Molecular consequence: missense variant.
Genome position (GRCh38, 1-based): chr9:74,662,606, G>A. VCF-style: chr9-74662606-G-A. GRCh37 (hg19) VCF-style: chr9-77277522-G-A.
Other names: c.925G>A, p.Gly309Ser (NM_001365023.1); short protein forms G298S, G309S.
Identifiers: ClinVar variation 2708137 (VCV002708137.3), dbSNP rs2489626468, ClinGen allele CA373770948.

ClinVar aggregate classification (germline): Uncertain significance (1 of 4 stars; one submission).

Submission:

Labcorp Genetics (formerly Invitae), Labcorp
Classification: Uncertain significance. Last evaluated: 2024-01-07. Review status: criteria provided, single submitter. Criteria: Invitae Variant Classification Sherloc (09022015). Collection method: clinical testing. Allele origin: germline.
Comment: This sequence change replaces glycine, which is neutral and non-polar, with serine, which is neutral and polar, at codon 298 of the RORB protein (p.Gly298Ser). This variant also falls at the last nucleotide of exon 6, which is part of the consensus splice site for this exon. This variant is not present in population databases (gnomAD no frequency). This variant has not been reported in the literature in individuals affected with RORB-related conditions. An algorithm developed to predict the effect of missense changes on protein structure and function (PolyPhen-2) suggests that this variant is likely to be disruptive. Variants that disrupt the consensus splice site are a relatively common cause of aberrant splicing (PMID: 17576681, 9536098). In summary, the available evidence is currently insufficient to determine the role of this variant in disease. Therefore, it has been classified as a Variant of Uncertain Significance.

Literature cited by the submitters: PubMed 17576681; PubMed 9536098.